The following is an entry in ClinVar:

NM_000239.3(LYZ):c.*178C>T

Gene: LYZ (lysozyme; plus strand). Cytogenetic location: 12q15.
Variant type: single nucleotide variant.
Coding change: c.*178C>T on transcript NM_000239.3 (MANE Select); 178 bases downstream of the stop codon, C replaced by T.
Molecular consequence: 3 prime UTR variant.
Genome position (GRCh38, 1-based): chr12:69,353,397, C>T. VCF-style: chr12-69353397-C-T. GRCh37 (hg19) VCF-style: chr12-69747177-C-T.
Identifiers: ClinVar variation 310335 (VCV000310335.6), dbSNP rs710794, ClinGen allele CA10642389.
Genomic context (GRCh38, chr12:69,353,397, plus strand): 5'-CAGGAGCAAAATATGGCCTTTCTTCTAAGAGATATAATGTTCACTAATGTGGTTATTTTA[C>T]ATTAAGCCTACAACATTTTTCAGTTTGCAAATAGAACTAATACTGGTGAAAATTTACCTA-3'

ClinVar aggregate classification (germline): Benign. Review status: criteria provided, multiple submitters, no conflicts (2 of 4 stars). 2 submissions from 2 submitters: Benign (2). Last evaluated 2018-01-12.

Conditions:
Familial visceral amyloidosis, Ostertag type (AMYLD2). Also called: AMYLOIDOSIS VIII; Ostertag type amyloidosis; Familial visceral amyloidosis; Hereditary Renal Amyloidosis; Amyloidosis, hepatic and systemic; AMYLOIDOSIS, HEREDITARY SYSTEMIC 2. Identifiers: Orphanet 85450, MedGen C0268389, MONDO:0007099, OMIM 105200.

Allele frequency attached by ClinVar (database versions not stated): gnomAD exomes 0.86419; gnomAD 0.89072 and 0.89111; TOPMed 0.89633; 1000 Genomes Project 0.91993; 1000 Genomes Project 30x 0.92036.
gnomAD v4.1: 583,474 of 670,562 alleles (87%); highest among the groups gnomAD compares: African/African-American, 97%; 254,579 homozygotes.

Submissions (2):

Illumina Laboratory Services, Illumina
Classification: Benign for Familial visceral amyloidosis, Ostertag type. Last evaluated: 2018-01-12. Review status: criteria provided, single submitter. Criteria: ICSL Variant Classification Criteria 13 December 2019. Collection method: clinical testing. Allele origin: germline.
Comment: This variant was observed in the ICSL laboratory as part of a predisposition screen in an ostensibly healthy population. It had not been previously curated by ICSL or reported in the Human Gene Mutation Database (HGMD: prior to June 1st, 2018), and was therefore a candidate for classification through an automated scoring system. Utilizing variant allele frequency, disease prevalence and penetrance estimates, and inheritance mode, an automated score was calculated to assess if this variant is too frequent to cause the disease. Based on the score and internal cut-off values, a variant classified as benign is not then subjected to further curation. The score for this variant resulted in a classification of benign for this disease.

Breakthrough Genomics
Classification: Benign. Review status: criteria provided, single submitter. Criteria: ACMG Guidelines, 2015. Collection method: not provided. Allele origin: germline. Inheritance: Autosomal dominant inheritance. Affected: yes.